The following is an entry in ClinVar:

NM_198576.4(AGRN):c.3961C>T (p.Arg1321Cys)

Gene: AGRN (agrin; plus strand). Cytogenetic location: 1p36.33.
Variant type: single nucleotide variant.
Coding change: c.3961C>T on transcript NM_198576.4 (MANE Select); coding-DNA position 3961, C replaced by T.
Protein change: p.Arg1321Cys; replaces arginine 1321 with cysteine.
Molecular consequence: missense variant.
Genome position (GRCh38, 1-based): chr1:1,048,221, C>T. VCF-style: chr1-1048221-C-T. GRCh37 (hg19) VCF-style: chr1-983601-C-T.
Other names: c.3961C>T, p.Arg1321Cys (NM_001305275.2); c.3646C>T, p.Arg1216Cys (NM_001364727.2); short protein forms R1216C, R1321C.
Identifiers: ClinVar variation 1005237 (VCV001005237.6), dbSNP rs1483197613, ClinGen allele CA337853174.

ClinVar aggregate classification (germline): Uncertain significance (1 of 4 stars; one submission).

Conditions:
Congenital myasthenic syndrome 8. Also called: MYASTHENIC SYNDROME, CONGENITAL, DUE TO AGRIN DEFICIENCY; Myasthenic syndrome, congenital, 8, with pre- and postsynaptic defects. Identifiers: Orphanet 590, MedGen C3808739, MONDO:0014052, OMIM 615120.

Allele frequency attached by ClinVar (database versions not stated): TOPMed below 0.00001; gnomAD 0.00001; gnomAD exomes 0.00001.
gnomAD v4.1: 32 of 1,547,032 alleles (0.0021%); highest among the groups gnomAD compares: African/African-American, 0.0027%; no homozygotes.

Submission:

Labcorp Genetics (formerly Invitae), Labcorp
Classification: Uncertain significance for Congenital myasthenic syndrome 8. Last evaluated: 2022-07-19. Review status: criteria provided, single submitter. Criteria: Invitae Variant Classification Sherloc (09022015). Collection method: clinical testing. Allele origin: germline.
Comment: This sequence change replaces arginine, which is basic and polar, with cysteine, which is neutral and slightly polar, at codon 1321 of the AGRN protein (p.Arg1321Cys). The frequency data for this variant in the population databases is considered unreliable, as metrics indicate poor data quality at this position in the gnomAD database. This variant has not been reported in the literature in individuals affected with AGRN-related conditions. ClinVar contains an entry for this variant (Variation ID: 1005237). Algorithms developed to predict the effect of missense changes on protein structure and function are either unavailable or do not agree on the potential impact of this missense change (SIFT: "Deleterious"; PolyPhen-2: "Possibly Damaging"; Align-GVGD: "Class C0"). In summary, the available evidence is currently insufficient to determine the role of this variant in disease. Therefore, it has been classified as a Variant of Uncertain Significance.